The following is an entry in ClinVar:

NM_133433.4(NIPBL):c.2626G>T (p.Asp876Tyr)

Gene: NIPBL (NIPBL cohesin loading factor; plus strand). Cytogenetic location: 5p13.2.
Variant type: single nucleotide variant.
Coding change: c.2626G>T on transcript NM_133433.4 (MANE Select); coding-DNA position 2626, G replaced by T.
Protein change: p.Asp876Tyr; replaces aspartic acid 876 with tyrosine.
Molecular consequence: missense variant.
Genome position (GRCh38, 1-based): chr5:36,985,806, G>T. VCF-style: chr5-36985806-G-T. GRCh37 (hg19) VCF-style: chr5-36985908-G-T.
Other names: c.2626G>T, p.Asp876Tyr (NM_001438586.1, NM_015384.5); short protein forms D876Y.
Identifiers: ClinVar variation 4688761 (VCV004688761.1).

ClinVar aggregate classification (germline): Uncertain significance (1 of 4 stars; one submission).

gnomAD v4.1: 1 of 1,613,870 alleles (0.000062%); highest among the groups gnomAD compares: Non-Finnish European, 0.000085%; no homozygotes.

Submission:

Women's Health and Genetics/Laboratory Corporation of America, LabCorp
Classification: Uncertain significance. Last evaluated: 2025-12-31. Review status: criteria provided, single submitter. Criteria: LabCorp Variant Classification Summary - May 2015. Collection method: clinical testing. Allele origin: germline.
Comment: Variant summary: NIPBL c.2626G>T (p.Asp876Tyr) results in a non-conservative amino acid change in the encoded protein sequence. Algorithms developed to predict the effect of missense changes on protein structure and function all suggest that this variant is likely to be disruptive. The variant was absent in 250810 control chromosomes. The available data on variant occurrences in the general population are insufficient to allow any conclusion about variant significance. To our knowledge, no occurrence of c.2626G>T in individuals affected with NIPBL-related conditions and no experimental evidence demonstrating its impact on protein function have been reported. No submitters have cited clinical-significance assessments for this variant to ClinVar. Based on the evidence outlined above, the variant was classified as uncertain significance.